The following is an entry in ClinVar:

ClinVar aggregate classification (germline): Uncertain significance. Review status: criteria provided, multiple submitters, no conflicts (2 of 4 stars). 2 submissions from 2 submitters: Uncertain significance (2). Last evaluated 2026-07-08.

Conditions:
Hereditary cancer-predisposing syndrome. Also called: Tumor predisposition; Hereditary Cancer Syndrome; Hereditary neoplastic syndrome; Neoplastic Syndromes, Hereditary. Identifiers: Orphanet 140162, MedGen C0027672, MeSH D009386, MONDO:0015356.
Gastrointestinal stromal tumor. Also called: Gastrointestinal stromal tumor, somatic; Gastrointestinal stroma tumor. Identifiers: Orphanet 44890, MedGen C0238198, MeSH D046152, MONDO:0011719, OMIM 606764, HP:0100723.
Pheochromocytoma/paraganglioma syndrome 3. Also called: SDHC-Related Hereditary Paraganglioma-Pheochromocytoma Syndrome (Paragangliomas 3); Paragangliomas 3; GLOMUS TUMORS, FAMILIAL, 3; SDHC-Related Hereditary Paraganglioma-Pheochromocytoma Syndrome. Identifiers: Orphanet 29072, MedGen C1854336, MONDO:0011544, OMIM 605373.

Submissions (2):

Ambry Genetics
Classification: Uncertain significance for Hereditary cancer-predisposing syndrome. Last evaluated: 2026-07-08. Review status: criteria provided, single submitter. Criteria: Ambry Variant Classification Scheme 2023. Collection method: clinical testing. Allele origin: germline.
Comment: The p.L84R variant (also known as c.251T>G), located in coding exon 5 of the SDHC gene, results from a T to G substitution at nucleotide position 251. The leucine at codon 84 is replaced by arginine, an amino acid with dissimilar properties. This variant was reported in individual(s) with features consistent with SDHC-related hereditary pheochromocytoma-paraganglioma in at least one individual (Ambry internal data). This amino acid position is conserved. In addition, this alteration is predicted to be deleterious by in silico analysis. Based on the available evidence, the clinical significance of this variant remains unclear.

Labcorp Genetics (formerly Invitae), Labcorp
Classification: Uncertain significance for Pheochromocytoma/paraganglioma syndrome 3; Gastrointestinal stromal tumor. Last evaluated: 2022-09-25. Review status: criteria provided, single submitter. Criteria: Invitae Variant Classification Sherloc (09022015). Collection method: clinical testing. Allele origin: germline.
Comment: This sequence change replaces leucine, which is neutral and non-polar, with arginine, which is basic and polar, at codon 84 of the SDHC protein (p.Leu84Arg). This variant is not present in population databases (gnomAD no frequency). This variant has not been reported in the literature in individuals affected with SDHC-related conditions. ClinVar contains an entry for this variant (Variation ID: 1015591). Algorithms developed to predict the effect of missense changes on protein structure and function are either unavailable or do not agree on the potential impact of this missense change (SIFT: "Deleterious"; PolyPhen-2: "Benign"; Align-GVGD: "Class C0"). In summary, the available evidence is currently insufficient to determine the role of this variant in disease. Therefore, it has been classified as a Variant of Uncertain Significance.

NM_003001.5(SDHC):c.251T>G (p.Leu84Arg)

Gene: SDHC (succinate dehydrogenase complex subunit C; plus strand). Cytogenetic location: 1q23.3.
Variant type: single nucleotide variant.
Coding change: c.251T>G on transcript NM_003001.5 (MANE Select); coding-DNA position 251, T replaced by G.
Protein change: p.Leu84Arg; replaces leucine 84 with arginine.
Molecular consequence: missense variant. On other transcripts: non-coding transcript variant (1), intron variant (3).
Genome position (GRCh38, 1-based): chr1:161,356,686, T>G. VCF-style: chr1-161356686-T-G. GRCh37 (hg19) VCF-style: chr1-161326476-T-G.
Other names: c.149T>G, p.Leu50Arg (NM_001035512.3); c.92T>G, p.Leu31Arg (NM_001035513.3); c.371T>G, p.Leu124Arg (NM_001407115.1); c.194T>G, p.Leu65Arg (NM_001407116.1); c.188T>G, p.Leu63Arg (NM_001407117.1); c.143T>G, p.Leu48Arg (NM_001407118.1); c.140T>G, p.Leu47Arg (NM_001407119.1, NM_001407120.1); c.242-5643T>G (NM_001035511.3); and 2 more; short protein forms L31R, L50R, L84R, L48R, L63R, L124R, L65R, L47R.
Identifiers: ClinVar variation 1015591 (VCV001015591.9), dbSNP rs1672284764, ClinGen allele CA343456238.
Genomic context (GRCh38, chr1:161,356,686, plus strand): 5'-TTAGTTGTAACTTATGAGCAGCTGTGACAAGCTACTTGGTTTTCTCCTCAGGGGTCTCTC[T>G]TTTTGGCATGTCGGCCCTGTTACTCCCTGGGAACTTTGAGTCTTATTTGGAACTTGTGAA-3'
Protein context (NP_002992.1, residues 74-94): TGIALSAGVS[Leu84Arg]FGMSALLLPG